The following is an entry in ClinVar:

ClinVar aggregate classification (germline): Conflicting classifications of pathogenicity. Review status: criteria provided, conflicting classifications (1 of 4 stars). 2 submissions from 2 submitters: Uncertain significance (1); Likely benign (1). Last evaluated 2024-04-15.

Conditions:
Hypophosphatemic rickets, autosomal recessive, 1 (ARHR1). Also called: HYPOPHOSPHATEMIA, AUTOSOMAL RECESSIVE. Identifiers: Orphanet 289176, MedGen C4551495, MONDO:0009430, OMIM 241520. Disease mechanism: loss of function.

Allele frequency attached by ClinVar (database versions not stated): TOPMed 0.00005; gnomAD 0.00011; ExAC 0.00015; 1000 Genomes Project 30x 0.00062; 1000 Genomes Project 0.00080.
gnomAD v4.1: 171 of 1,614,106 alleles (0.011%); highest among the groups gnomAD compares: East Asian, 0.087%; 1 homozygote.

Submissions (2):

Fulgent Genetics
Classification: Likely benign for Hypophosphatemic rickets, autosomal recessive, 1. Last evaluated: 2024-04-15. Review status: criteria provided, single submitter. Criteria: ACMG Guidelines, 2015. Collection method: clinical testing. Allele origin: germline.

Labcorp Genetics (formerly Invitae), Labcorp
Classification: Uncertain significance. Last evaluated: 2022-07-20. Review status: criteria provided, single submitter. Criteria: Invitae Variant Classification Sherloc (09022015). Collection method: clinical testing. Allele origin: germline.
Comment: This sequence change replaces threonine, which is neutral and polar, with proline, which is neutral and non-polar, at codon 42 of the DMP1 protein (p.Thr42Pro). This variant is present in population databases (rs369550864, gnomAD 0.1%). This variant has not been reported in the literature in individuals affected with DMP1-related conditions. Algorithms developed to predict the effect of missense changes on protein structure and function output the following: SIFT: "Tolerated"; PolyPhen-2: "Probably Damaging"; Align-GVGD: "Class C0". The proline amino acid residue is found in multiple mammalian species, which suggests that this missense change does not adversely affect protein function. In summary, the available evidence is currently insufficient to determine the role of this variant in disease. Therefore, it has been classified as a Variant of Uncertain Significance.

NM_004407.4(DMP1):c.124A>C (p.Thr42Pro)

Genes: DMP1 (dentin matrix acidic phosphoprotein 1; plus strand), DMP1-AS1 (DMP1 and DSPP antisense RNA 1; minus strand). Cytogenetic location: 4q22.1.
Variant type: single nucleotide variant.
Coding change: c.124A>C on transcript NM_004407.4 (MANE Select); coding-DNA position 124, A replaced by C.
Protein change: p.Thr42Pro; replaces threonine 42 with proline.
Molecular consequence: missense variant.
Genome position (GRCh38, 1-based): chr4:87,659,241, A>C. VCF-style: chr4-87659241-A-C. GRCh37 (hg19) VCF-style: chr4-88580393-A-C.
Other names: c.124A>C, p.Thr42Pro (NM_001079911.3); short protein forms T42P.
Identifiers: ClinVar variation 2048257 (VCV002048257.2), dbSNP rs369550864, ClinGen allele CA3001958.